The following is an entry in ClinVar:

ClinVar aggregate classification (germline): Likely benign. Review status: criteria provided, single submitter (1 of 4 stars). 2 submissions from 2 submitters: Likely benign (1). 1 of the submissions does not count toward it. Last evaluated 2024-07-29.

Conditions:
SETBP1-related disorder. Also called: SETBP1-related condition; SETBP1-related disorders.

Allele frequency attached by ClinVar (database versions not stated): gnomAD 0.00002; TOPMed 0.00002; ExAC 0.00006; gnomAD exomes 0.00011; 1000 Genomes Project 30x 0.00016; 1000 Genomes Project 0.00020.
gnomAD v4.1: 153 of 1,543,240 alleles (0.0099%); highest among the groups gnomAD compares: Non-Finnish European, 0.013%; no homozygotes.

Submissions (2):

Blueprint Genetics
Classification: Likely benign. Last evaluated: 2024-07-29. Review status: criteria provided, single submitter. Criteria: ACMG Guidelines, 2015. Collection method: clinical testing. Allele origin: germline.

PreventionGenetics, part of Exact Sciences
Classification: Uncertain significance for SETBP1-related condition. Last evaluated: 2024-03-19. Review status: no assertion criteria provided. Collection method: clinical testing. Allele origin: germline. Not counted in ClinVar's aggregate classification.
Comment: The SETBP1 c.702A>C variant is predicted to result in the amino acid substitution p.Glu234Asp. To our knowledge, this variant has not been reported in the literature. This variant is reported in 0.014% of alleles in individuals of European (Non-Finnish) descent in gnomAD. At this time, the clinical significance of this variant is uncertain due to the absence of conclusive functional and genetic evidence.

NM_015559.3(SETBP1):c.540+7443A>C

Gene: SETBP1 (SET binding protein 1; plus strand). Cytogenetic location: 18q12.3.
Variant type: single nucleotide variant.
Coding change: c.540+7443A>C on transcript NM_015559.3 (MANE Select); 7443 bases into the intron after coding-DNA position 540, A replaced by C.
Molecular consequence: intron variant. On other transcripts: missense variant (1).
Genome position (GRCh38, 1-based): chr18:44,876,726, A>C. VCF-style: chr18-44876726-A-C. GRCh37 (hg19) VCF-style: chr18-42456691-A-C.
Other names: c.702A>C, p.Glu234Asp (NM_001130110.2); c.540+7443A>C (NM_001379141.1, NM_001410862.1, NM_001379142.1); short protein forms E234D.
Identifiers: ClinVar variation 2634899 (VCV002634899.3), dbSNP rs569190520, ClinGen allele CA8945439.
Genomic context (GRCh38, chr18:44,876,726, plus strand): 5'-ATGCCCCCGGAACCCATTCCCCGCAAAACCCGGTTCTCTCACTCTTCCTTTTCACAGTGA[A>C]CCTGCAGTCTGGGCACAAGAAGTATAACTTCGCATGGATTCTGCAAAGCCCACACCTGTG-3'